The following is an entry in ClinVar:

ClinVar aggregate classification (germline): Uncertain significance. Review status: criteria provided, multiple submitters, no conflicts (2 of 4 stars). 2 submissions from 2 submitters: Uncertain significance (2). Last evaluated 2025-04-03.

Conditions:
Hereditary cancer-predisposing syndrome. Also called: Hereditary neoplastic syndrome; Tumor predisposition; Neoplastic Syndromes, Hereditary; Hereditary Cancer Syndrome. Identifiers: Orphanet 140162, MedGen C0027672, MeSH D009386, MONDO:0015356.
Oligodontia-cancer predisposition syndrome. Also called: TOOTH AGENESIS-COLORECTAL CANCER SYNDROME. Identifiers: Orphanet 300576, MedGen C1837750, MONDO:0012075, OMIM 608615. Disease mechanism: loss of function.

Submissions (2):

Ambry Genetics
Classification: Uncertain significance for Hereditary cancer-predisposing syndrome. Last evaluated: 2025-04-03. Review status: criteria provided, single submitter. Criteria: Ambry Variant Classification Scheme 2023. Collection method: clinical testing. Allele origin: germline.
Comment: The p.L108I variant (also known as c.322T>A), located in coding exon 1 of the AXIN2 gene, results from a T to A substitution at nucleotide position 322. The leucine at codon 108 is replaced by isoleucine, an amino acid with highly similar properties. This amino acid position is conserved. In addition, this alteration is predicted to be tolerated by in silico analysis. Based on the available evidence, the clinical significance of this variant remains unclear.

Labcorp Genetics (formerly Invitae), Labcorp
Classification: Uncertain significance for Oligodontia-cancer predisposition syndrome. Last evaluated: 2021-04-26. Review status: criteria provided, single submitter. Criteria: Invitae Variant Classification Sherloc (09022015). Collection method: clinical testing. Allele origin: germline.
Comment: This sequence change replaces leucine with isoleucine at codon 108 of the AXIN2 protein (p.Leu108Ile). The leucine residue is highly conserved and there is a small physicochemical difference between leucine and isoleucine. This variant is not present in population databases (ExAC no frequency). This variant has not been reported in the literature in individuals with AXIN2-related conditions. Algorithms developed to predict the effect of missense changes on protein structure and function are either unavailable or do not agree on the potential impact of this missense change (SIFT: "Deleterious"; PolyPhen-2: "Probably Damaging"; Align-GVGD: "Class C0"). In summary, the available evidence is currently insufficient to determine the role of this variant in disease. Therefore, it has been classified as a Variant of Uncertain Significance.

NM_004655.4(AXIN2):c.322T>A (p.Leu108Ile)

Gene: AXIN2 (axin 2; minus strand). Cytogenetic location: 17q24.1.
Variant type: single nucleotide variant.
Coding change: c.322T>A on transcript NM_004655.4 (MANE Select); coding-DNA position 322, T replaced by A.
Protein change: p.Leu108Ile; replaces leucine 108 with isoleucine.
Molecular consequence: missense variant.
Genome position (GRCh38, 1-based): chr17:65,558,299, A>T on the plus strand (T>A on the coding strand, the complement: AXIN2 is on the minus strand). VCF-style: chr17-65558299-A-T. GRCh37 (hg19) VCF-style: chr17-63554417-A-T.
Other names: c.322T>A (NM_004655.3); c.322T>A, p.Leu108Ile (NM_001363813.1); short protein forms L108I.
Identifiers: ClinVar variation 1348974 (VCV001348974.9), dbSNP rs112058150, ClinGen allele CA400681658.